The following is an entry in ClinVar:

ClinVar aggregate classification (germline): Conflicting classifications of pathogenicity. Review status: criteria provided, conflicting classifications (1 of 4 stars). 3 submissions from 3 submitters: Pathogenic (1); Likely pathogenic (1); Uncertain significance (1). Last evaluated 2025-09-17.

Conditions:
Niemann-Pick disease, type C1. Also called: NIEMANN-PICK DISEASE, VARIANT TYPE C1; NEUROVISCERAL STORAGE DISEASE WITH VERTICAL SUPRANUCLEAR OPHTHALMOPLEGIA; NIEMANN-PICK DISEASE WITH CHOLESTEROL ESTERIFICATION BLOCK; NIEMANN-PICK DISEASE WITHOUT SPHINGOMYELINASE DEFICIENCY; NIEMANN-PICK DISEASE, CHRONIC NEURONOPATHIC FORM. Identifiers: Orphanet 646, MedGen C3179455, MONDO:0009757, OMIM 257220.

Allele frequency attached by ClinVar (database versions not stated): gnomAD 0.00001; TOPMed 0.00001.
gnomAD v4.1: 3 of 1,612,338 alleles (0.00019%); highest among the groups gnomAD compares: African/African-American, 0.0027%; no homozygotes.

Submissions (3):

Labcorp Genetics (formerly Invitae), Labcorp
Classification: Pathogenic for Niemann-Pick disease, type C1. Last evaluated: 2025-09-17. Review status: criteria provided, single submitter. Criteria: Invitae Variant Classification Sherloc (09022015). Collection method: clinical testing. Allele origin: germline.
Comment: This sequence change replaces cysteine, which is neutral and slightly polar, with tyrosine, which is neutral and polar, at codon 516 of the NPC1 protein (p.Cys516Tyr). This variant is not present in population databases (gnomAD no frequency). This missense change has been observed in individual(s) with Niemann-Pick disease type C (PMID: 28802248). In at least one individual the data is consistent with being in trans (on the opposite chromosome) from a pathogenic variant. ClinVar contains an entry for this variant (Variation ID: 268186). Invitae Evidence Modeling of protein sequence and biophysical properties (such as structural, functional, and spatial information, amino acid conservation, physicochemical variation, residue mobility, and thermodynamic stability) indicates that this missense variant is expected to disrupt NPC1 protein function with a positive predictive value of 95%. For these reasons, this variant has been classified as Pathogenic.

Women's Health and Genetics/Laboratory Corporation of America, LabCorp
Classification: Uncertain significance. Last evaluated: 2025-06-06. Review status: criteria provided, single submitter. Criteria: LabCorp Variant Classification Summary - May 2015. Collection method: clinical testing. Allele origin: germline.
Comment: Variant summary: NPC1 c.1547G>A (p.Cys516Tyr) results in a non-conservative amino acid change in the encoded protein sequence. Algorithms developed to predict the effect of missense changes on protein structure and function all suggest that this variant is likely to be disruptive. The variant was absent in 251226 control chromosomes. The available data on variant occurrences in the general population are insufficient to allow any conclusion about variant significance. c.1547G>A has been observed in the comopund heterozygous state in at least one individual affected with Niemann-Pick Disease Type C (Rohanizadegan_2017). These data do not allow any conclusion about variant significance. To our knowledge, no experimental evidence demonstrating an impact on protein function has been reported. The following publication have been ascertained in the context of this evaluation (PMID: 28802248). ClinVar contains an entry for this variant (Variation ID: 268186). Based on the evidence outlined above, the variant was classified as uncertain significance.

GeneDx
Classification: Likely pathogenic. Last evaluated: 2016-11-07. Review status: criteria provided, single submitter. Criteria: GeneDx Variant Classification (06012015). Collection method: clinical testing. Allele origin: germline. Affected: yes.
Comment: This variant was not observed in approximately 6500 individuals of European and African American ancestry in the NHLBI Exome Sequencing Project, indicating it is not a common benign variant in these populations. The C516Y variant is a non-conservative amino acid substitution, which is likely to impact secondary protein structure as these residues differ in polarity, charge, size and/or other properties. This substitution occurs at a position that is conserved across species. In silico analysis predicts this variant is probably damaging to the protein structure/function. Missense variants in nearby residues (H510P, H512R, R518W, R518Q, and A521S) have been reported in the Human Gene Mutation Database in association with Niemann-Pick disease type C (Stenson et al., 2014), supporting the functional importance of this region of the protein. Therefore, we interpret C516Y as a likely pathogenic variant.

Literature cited by the submitters: PubMed 28802248 (cited by Labcorp Genetics (formerly Invitae), Labcorp and Women's Health and Genetics/Laboratory Corporation of America, LabCorp).

NM_000271.5(NPC1):c.1547G>A (p.Cys516Tyr)

Gene: NPC1 (NPC intracellular cholesterol transporter 1; minus strand). Cytogenetic location: 18q11.2.
Variant type: single nucleotide variant.
Coding change: c.1547G>A on transcript NM_000271.5 (MANE Select); coding-DNA position 1547, G replaced by A.
Protein change: p.Cys516Tyr; replaces cysteine 516 with tyrosine.
Molecular consequence: missense variant.
Genome position (GRCh38, 1-based): chr18:23,554,764, C>T on the plus strand (G>A on the coding strand, the complement: NPC1 is on the minus strand). VCF-style: chr18-23554764-C-T. GRCh37 (hg19) VCF-style: chr18-21134728-C-T.
Other names: short protein forms C516Y.
Identifiers: ClinVar variation 268186 (VCV000268186.6), dbSNP rs751951695, ClinGen allele CA10602695.